The following is an entry in ClinVar:

ClinVar aggregate classification (germline): Uncertain significance (1 of 4 stars; one submission).

Conditions:
Schimke immuno-osseous dysplasia (SIOD). Also called: Schimke Immunoosseous Dysplasia. Identifiers: Orphanet 1830, MedGen C0877024, MONDO:0009458, OMIM 242900.

Submission:

Labcorp Genetics (formerly Invitae), Labcorp
Classification: Uncertain significance for Schimke immuno-osseous dysplasia. Last evaluated: 2022-04-04. Review status: criteria provided, single submitter. Criteria: Invitae Variant Classification Sherloc (09022015). Collection method: clinical testing. Allele origin: germline.
Comment: This variant has not been reported in the literature in individuals affected with SMARCAL1-related conditions. This sequence change replaces serine, which is neutral and polar, with proline, which is neutral and non-polar, at codon 774 of the SMARCAL1 protein (p.Ser774Pro). This variant is not present in population databases (gnomAD no frequency). Algorithms developed to predict the effect of missense changes on protein structure and function are either unavailable or do not agree on the potential impact of this missense change (SIFT: "Tolerated"; PolyPhen-2: "Possibly Damaging"; Align-GVGD: "Class C0"). In summary, the available evidence is currently insufficient to determine the role of this variant in disease. Therefore, it has been classified as a Variant of Uncertain Significance.

NM_014140.4(SMARCAL1):c.2320T>C (p.Ser774Pro)

Gene: SMARCAL1 (SNF2 related chromatin remodeling annealing helicase 1; plus strand). Cytogenetic location: 2q35.
Variant type: single nucleotide variant.
Coding change: c.2320T>C on transcript NM_014140.4 (MANE Select); coding-DNA position 2320, T replaced by C.
Protein change: p.Ser774Pro; replaces serine 774 with proline.
Molecular consequence: missense variant.
Genome position (GRCh38, 1-based): chr2:216,475,344, T>C. VCF-style: chr2-216475344-T-C. GRCh37 (hg19) VCF-style: chr2-217340067-T-C.
Other names: c.2320T>C, p.Ser774Pro (NM_001127207.2); short protein forms S774P.
Identifiers: ClinVar variation 2120588 (VCV002120588.4), dbSNP rs2469047593, ClinGen allele CA350504100.